The following is an entry in ClinVar:

ClinVar aggregate classification (germline): Uncertain significance (1 of 4 stars; one submission).

Conditions:
Familial adenomatous polyposis 1 (FAP1). Also called: FAMILIAL ADENOMATOUS POLYPOSIS 1, ATTENUATED; POLYPOSIS, ADENOMATOUS INTESTINAL. Identifiers: MedGen C2713442, MONDO:0021056, OMIM 175100. Disease mechanism: loss of function.

Submission:

Labcorp Genetics (formerly Invitae), Labcorp
Classification: Uncertain significance for Familial adenomatous polyposis 1. Last evaluated: 2024-07-30. Review status: criteria provided, single submitter. Criteria: Invitae Variant Classification Sherloc (09022015). Collection method: clinical testing. Allele origin: germline.
Comment: This sequence change replaces leucine, which is neutral and non-polar, with phenylalanine, which is neutral and non-polar, at codon 1601 of the APC protein (p.Leu1601Phe). This variant is not present in population databases (gnomAD no frequency). This variant has not been reported in the literature in individuals affected with APC-related conditions. Advanced modeling of protein sequence and biophysical properties (such as structural, functional, and spatial information, amino acid conservation, physicochemical variation, residue mobility, and thermodynamic stability) performed at Invitae indicates that this missense variant is not expected to disrupt APC protein function with a negative predictive value of 95%. In summary, the available evidence is currently insufficient to determine the role of this variant in disease. Therefore, it has been classified as a Variant of Uncertain Significance.

NM_000038.6(APC):c.4803A>T (p.Leu1601Phe)

Gene: APC (APC regulator of Wnt signaling pathway; plus strand). Cytogenetic location: 5q22.2.
Variant type: single nucleotide variant.
Coding change: c.4803A>T on transcript NM_000038.6 (MANE Select); coding-DNA position 4803, A replaced by T.
Protein change: p.Leu1601Phe; replaces leucine 1601 with phenylalanine.
Molecular consequence: missense variant. On other transcripts: non-coding transcript variant (2).
Genome position (GRCh38, 1-based): chr5:112,840,397, A>T. VCF-style: chr5-112840397-A-T. GRCh37 (hg19) VCF-style: chr5-112176094-A-T.
Other names: c.4803A>T, p.Leu1601Phe (NM_001127510.3, NM_001354895.2, NM_001407450.1); c.4749A>T, p.Leu1583Phe (NM_001127511.3); c.4857A>T, p.Leu1619Phe (NM_001354896.2, NM_001407447.1, NM_001407448.1 and 1 more transcripts); c.4833A>T, p.Leu1611Phe (NM_001354897.2); c.4728A>T, p.Leu1576Phe (NM_001354898.2); c.4719A>T, p.Leu1573Phe (NM_001354899.2); c.4680A>T, p.Leu1560Phe (NM_001354900.2); c.4626A>T, p.Leu1542Phe (NM_001354901.2, NM_001407453.1); and 11 more; short protein forms L1619F, L1217F, L1472F, L1500F, L1560F, L1611F, L1318F, L1441F.
Identifiers: ClinVar variation 3635474 (VCV003635474.2).